The following is an entry in ClinVar:

NM_198428.3(BBS9):c.983A>G (p.His328Arg)

Gene: BBS9 (Bardet-Biedl syndrome 9; plus strand). Cytogenetic location: 7p14.3.
Variant type: single nucleotide variant.
Coding change: c.983A>G on transcript NM_198428.3 (MANE Select); coding-DNA position 983, A replaced by G.
Protein change: p.His328Arg; replaces histidine 328 with arginine.
Molecular consequence: missense variant. On other transcripts: non-coding transcript variant (3).
Genome position (GRCh38, 1-based): chr7:33,273,923, A>G. VCF-style: chr7-33273923-A-G. GRCh37 (hg19) VCF-style: chr7-33313535-A-G.
Other names: c.983A>G, p.His328Arg (NM_001033604.2, NM_001033605.2, NM_001348036.1 and 5 more transcripts); c.617A>G, p.His206Arg (NM_001348037.3, NM_001348044.3, NM_001348045.3 and 1 more transcripts); c.710A>G, p.His237Arg (NM_001348038.3, NM_001348039.3); c.848A>G, p.His283Arg (NM_001348042.3); short protein forms H283R, H237R, H328R, H206R.
Identifiers: ClinVar variation 5000278 (VCV005000278.1).

ClinVar aggregate classification (germline): Uncertain significance (1 of 4 stars; one submission).

Conditions:
BBS9-related disorder. Also called: BBS9-related condition.

gnomAD v4.1: 14 of 1,613,664 alleles (0.00087%); highest among the groups gnomAD compares: Non-Finnish European, 0.0012%; no homozygotes.

Submission:

PreventionGenetics, part of Exact Sciences
Classification: Uncertain significance for BBS9-related condition. Last evaluated: 2025-03-25. Review status: criteria provided, single submitter. Criteria: ACMG Guidelines, 2015. Collection method: clinical testing. Allele origin: germline.
Comment: The BBS9 c.983A>G variant is predicted to result in the amino acid substitution p.His328Arg. To our knowledge, this variant has not been reported in the literature. This variant is reported in 0.0016% of alleles in individuals of European (Non-Finnish) descent in gnomAD. At this time, the clinical significance of this variant is uncertain due to the absence of conclusive functional and genetic evidence.